The following is an entry in ClinVar:

NM_005413.4(SIX3):c.631C>T (p.His211Tyr)

Gene: SIX3 (SIX homeobox 3; plus strand). Cytogenetic location: 2p21.
Variant type: single nucleotide variant.
Coding change: c.631C>T on transcript NM_005413.4 (MANE Select); coding-DNA position 631, C replaced by T.
Protein change: p.His211Tyr; replaces histidine 211 with tyrosine.
Molecular consequence: missense variant.
Genome position (GRCh38, 1-based): chr2:44,942,735, C>T. VCF-style: chr2-44942735-C-T. GRCh37 (hg19) VCF-style: chr2-45169874-C-T.
Other names: short protein forms H211Y.
Identifiers: ClinVar variation 3777322 (VCV003777322.1).

ClinVar aggregate classification (germline): Uncertain significance (1 of 4 stars; one submission).

Submission:

GeneDx
Classification: Uncertain significance. Last evaluated: 2024-10-11. Review status: criteria provided, single submitter. Criteria: GeneDx Variant Classification Process June 2021. Collection method: clinical testing. Allele origin: germline. Affected: yes.
Comment: Not observed at significant frequency in large population cohorts (gnomAD); In silico analysis supports that this missense variant has a deleterious effect on protein structure/function; Has not been previously published as pathogenic or benign to our knowledge